The following is an entry in ClinVar:

NM_001876.4(CPT1A):c.683C>G (p.Ala228Gly)

Gene: CPT1A (carnitine palmitoyltransferase 1A; minus strand). Cytogenetic location: 11q13.3.
Variant type: single nucleotide variant.
Coding change: c.683C>G on transcript NM_001876.4 (MANE Select); coding-DNA position 683, C replaced by G.
Protein change: p.Ala228Gly; replaces alanine 228 with glycine.
Molecular consequence: missense variant.
Genome position (GRCh38, 1-based): chr11:68,799,228, G>C on the plus strand (C>G on the coding strand, the complement: CPT1A is on the minus strand). VCF-style: chr11-68799228-G-C. GRCh37 (hg19) VCF-style: chr11-68566696-G-C.
Other names: c.683C>G, p.Ala228Gly (NM_001031847.3); short protein forms A228G.
Identifiers: ClinVar variation 1984721 (VCV001984721.3), dbSNP rs2495634185, ClinGen allele CA381635188.

ClinVar aggregate classification (germline): Uncertain significance (1 of 4 stars; one submission).

Conditions:
Carnitine palmitoyl transferase 1A deficiency. Also called: Carnitine palmitoyltransferase type I deficiency; Carnitine palmitoyltransferase 1A deficiency; CPT deficiency, hepatic, type IA; CPT I DEFICIENCY; CPT DEFICIENCY, HEPATIC, TYPE I. Identifiers: Orphanet 156, MedGen C1829703, MONDO:0009705, OMIM 255120.

Allele frequency attached by ClinVar (database versions not stated): gnomAD exomes below 0.00001.
gnomAD v4.1: 1 of 1,613,676 alleles (0.000062%); highest among the groups gnomAD compares: Admixed American, 0.0017%; no homozygotes.

Submission:

Labcorp Genetics (formerly Invitae), Labcorp
Classification: Uncertain significance for Carnitine palmitoyl transferase 1A deficiency. Last evaluated: 2024-02-23. Review status: criteria provided, single submitter. Criteria: Invitae Variant Classification Sherloc (09022015). Collection method: clinical testing. Allele origin: germline.
Comment: This sequence change replaces alanine, which is neutral and non-polar, with glycine, which is neutral and non-polar, at codon 228 of the CPT1A protein (p.Ala228Gly). This variant is not present in population databases (gnomAD no frequency). This variant has not been reported in the literature in individuals affected with CPT1A-related conditions. ClinVar contains an entry for this variant (Variation ID: 1984721). Advanced modeling of protein sequence and biophysical properties (such as structural, functional, and spatial information, amino acid conservation, physicochemical variation, residue mobility, and thermodynamic stability) has been performed at Invitae for this missense variant, however the output from this modeling did not meet the statistical confidence thresholds required to predict the impact of this variant on CPT1A protein function. In summary, the available evidence is currently insufficient to determine the role of this variant in disease. Therefore, it has been classified as a Variant of Uncertain Significance.